The following is an entry in ClinVar:

ClinVar aggregate classification (germline): Likely benign (1 of 4 stars; one submission).

Conditions:
CTDP1-related disorder. Also called: CTDP1-related condition.

gnomAD v4.1: 132 of 1,611,790 alleles (0.0082%); highest among the groups gnomAD compares: East Asian, 0.12%; no homozygotes.

Submission:

PreventionGenetics, part of Exact Sciences
Classification: Likely benign for CTDP1-related condition. Last evaluated: 2025-06-27. Review status: criteria provided, single submitter. Criteria: ACMG Guidelines, 2015. Collection method: clinical testing. Allele origin: germline.
Comment: This variant is classified as likely benign based on ACMG/AMP sequence variant interpretation guidelines (Richards et al. 2015 PMID: 25741868, with internal and published modifications).

NM_004715.5(CTDP1):c.1207G>A (p.Glu403Lys)

Gene: CTDP1 (CTD phosphatase 1; plus strand). Cytogenetic location: 18q23.
Variant type: single nucleotide variant.
Coding change: c.1207G>A on transcript NM_004715.5 (MANE Select); coding-DNA position 1207, G replaced by A.
Protein change: p.Glu403Lys; replaces glutamic acid 403 with lysine.
Molecular consequence: missense variant.
Genome position (GRCh38, 1-based): chr18:79,714,667, G>A. VCF-style: chr18-79714667-G-A. GRCh37 (hg19) VCF-style: chr18-77474667-G-A.
Other names: c.850G>A, p.Glu284Lys (NM_001202504.1); c.1207G>A, p.Glu403Lys (NM_001318511.2, NM_048368.4); short protein forms E403K, E284K.
Identifiers: ClinVar variation 4979812 (VCV004979812.1).